The following is an entry in ClinVar:

NM_024675.4(PALB2):c.1880_1881del (p.Val627fs)

Gene: PALB2 (partner and localizer of BRCA2; minus strand). Cytogenetic location: 16p12.2.
Variant type: Deletion.
Coding change: c.1880_1881del on transcript NM_024675.4 (MANE Select); coding-DNA positions 1880 to 1881, 2 bases deleted (TG; older notation c.1880_1881delTG).
Protein change: p.Val627fs; shifts the reading frame from valine 627.
Molecular consequence: frameshift variant.
Genome position (GRCh38, 1-based): chr16:23,630,273-23,630,274, CA deleted on the plus strand (TG on the coding strand, the reverse complement: PALB2 is on the minus strand); deleting any 2 consecutive bases within chr16:23,630,273-23,630,275 gives the same sequence; the c. name uses the placement nearest the transcript's 3' end. VCF-style (leftmost placement, unchanged base first): chr16-23630272-TCA-T. GRCh37 (hg19) VCF-style: chr16-23641593-TCA-T.
Other names: c.1880_1881del (NM_024675.3); short protein forms V627fs.
Identifiers: ClinVar variation 820236 (VCV000820236.14), dbSNP rs1597090903, ClinGen allele CA915949193.

ClinVar aggregate classification (germline): Pathogenic/Likely pathogenic. Review status: criteria provided, multiple submitters, no conflicts (2 of 4 stars). 4 submissions from 4 submitters: Pathogenic (3); Likely pathogenic (1). Last evaluated 2024-02-21.

Conditions:
Hereditary cancer-predisposing syndrome. Also called: Neoplastic Syndromes, Hereditary; Tumor predisposition; Hereditary Cancer Syndrome; Hereditary neoplastic syndrome. Identifiers: Orphanet 140162, MedGen C0027672, MeSH D009386, MONDO:0015356.
Familial cancer of breast. Also called: BREAST CANCER, FAMILIAL; Hereditary breast cancer; hereditary breast carcinoma. Identifiers: Orphanet 227535, MedGen C0346153, MONDO:0016419, OMIM 114480. Disease mechanism: loss of function.

Submissions (4):

Myriad Genetics, Inc.
Classification: Pathogenic for Familial cancer of breast. Last evaluated: 2024-02-21. Review status: criteria provided, single submitter. Criteria: Myriad Autosomal Dominant, Autosomal Recessive and X-Linked Classification Criteria (2023). Collection method: clinical testing. Allele origin: unknown.
Comment: This variant is considered pathogenic. This variant creates a frameshift predicted to result in premature protein truncation.

Labcorp Genetics (formerly Invitae), Labcorp
Classification: Pathogenic for Familial cancer of breast. Last evaluated: 2024-02-17. Review status: criteria provided, single submitter. Criteria: Invitae Variant Classification Sherloc (09022015). Collection method: clinical testing. Allele origin: germline.
Comment: This sequence change creates a premature translational stop signal (p.Val627Glufs*12) in the PALB2 gene. It is expected to result in an absent or disrupted protein product. Loss-of-function variants in PALB2 are known to be pathogenic (PMID: 17200668, 17200671, 17200672, 24136930, 25099575). This variant is not present in population databases (gnomAD no frequency). This variant has not been reported in the literature in individuals affected with PALB2-related conditions. ClinVar contains an entry for this variant (Variation ID: 820236). For these reasons, this variant has been classified as Pathogenic.

Quest Diagnostics Nichols Institute San Juan Capistrano
Classification: Likely pathogenic. Last evaluated: 2024-01-16. Review status: criteria provided, single submitter. Criteria: Quest Diagnostics criteria. Collection method: clinical testing. Allele origin: unknown.
Comment: The PALB2 c.1880_1881del (p.Val627Glufs*12) variant alters the translational reading frame of the PALB2 mRNA and is predicted to cause the premature termination of PALB2 protein synthesis. This variant has not been reported in individuals with PALB2-related conditions in the published literature. This variant has not been reported in large, multi-ethnic general populations (Genome Aggregation Database). Based on the available information, this variant is classified as likely pathogenic.

Ambry Genetics
Classification: Pathogenic for Hereditary cancer-predisposing syndrome. Last evaluated: 2019-09-26. Review status: criteria provided, single submitter. Criteria: Ambry Variant Classification Scheme 2023. Collection method: clinical testing. Allele origin: germline.
Comment: The c.1880_1881delTG pathogenic mutation, located in coding exon 5 of the PALB2 gene, results from a deletion of two nucleotides at nucleotide positions 1880 to 1881, causing a translational frameshift with a predicted alternate stop codon (p.V627Efs*12). This alteration is expected to result in loss of function by premature protein truncation or nonsense-mediated mRNA decay. As such, this alteration is interpreted as a disease-causing mutation.

Literature cited by the submitters: PubMed 17200668 (cited by Labcorp Genetics (formerly Invitae), Labcorp); PubMed 17200671 (cited by Labcorp Genetics (formerly Invitae), Labcorp); PubMed 17200672 (cited by Labcorp Genetics (formerly Invitae), Labcorp); PubMed 24136930 (cited by Labcorp Genetics (formerly Invitae), Labcorp); PubMed 25099575 (cited by Labcorp Genetics (formerly Invitae), Labcorp).